The following is an entry in ClinVar:

ClinVar aggregate classification (germline): Uncertain significance (1 of 4 stars; one submission).

Conditions:
Nephronophthisis. Also called: Juvenile Nephronophthisis. Identifiers: Orphanet 655, MedGen C0687120, MONDO:0019005, HP:0000090.
Jeune thoracic dystrophy. Also called: Jeune syndrome; Infantile thoracic dystrophy; Thoracic pelvic phalangeal dystrophy; Jeune's syndrome; Chondroectodermal dysplasia-like syndrome; Short-rib thoracic dysplasia. Identifiers: Orphanet 474, MedGen C0265275, MONDO:0018770.

Allele frequency attached by ClinVar (database versions not stated): gnomAD 0.00001.

Submission:

Labcorp Genetics (formerly Invitae), Labcorp
Classification: Uncertain significance for Jeune thoracic dystrophy; Nephronophthisis. Last evaluated: 2022-06-13. Review status: criteria provided, single submitter. Criteria: Invitae Variant Classification Sherloc (09022015). Collection method: clinical testing. Allele origin: germline.
Comment: In summary, the available evidence is currently insufficient to determine the role of this variant in disease. Therefore, it has been classified as a Variant of Uncertain Significance. Algorithms developed to predict the effect of missense changes on protein structure and function output the following: SIFT: "Tolerated"; PolyPhen-2: "Benign"; Align-GVGD: "Class C0". The cysteine amino acid residue is found in multiple mammalian species, which suggests that this missense change does not adversely affect protein function. ClinVar contains an entry for this variant (Variation ID: 1061743). This variant has not been reported in the literature in individuals affected with TTC21B-related conditions. This variant is not present in population databases (gnomAD no frequency). This sequence change replaces tyrosine, which is neutral and polar, with cysteine, which is neutral and slightly polar, at codon 1128 of the TTC21B protein (p.Tyr1128Cys).

NM_024753.5(TTC21B):c.3383A>G (p.Tyr1128Cys)

Gene: TTC21B (tetratricopeptide repeat domain 21B; minus strand). Cytogenetic location: 2q24.3.
Variant type: single nucleotide variant.
Coding change: c.3383A>G on transcript NM_024753.5 (MANE Select); coding-DNA position 3383, A replaced by G.
Protein change: p.Tyr1128Cys; replaces tyrosine 1128 with cysteine.
Molecular consequence: missense variant.
Genome position (GRCh38, 1-based): chr2:165,888,355, T>C on the plus strand (A>G on the coding strand, the complement: TTC21B is on the minus strand). VCF-style: chr2-165888355-T-C. GRCh37 (hg19) VCF-style: chr2-166744865-T-C.
Other names: short protein forms Y1128C.
Identifiers: ClinVar variation 1061743 (VCV001061743.9), dbSNP rs1685078744, ClinGen allele CA349047546.